The following is an entry in ClinVar:

NM_004006.3(DMD):c.3925C>T (p.Leu1309Phe)

Gene: DMD (dystrophin; minus strand). Cytogenetic location: Xp21.1.
Variant type: single nucleotide variant.
Coding change: c.3925C>T on transcript NM_004006.3 (MANE Select); coding-DNA position 3925, C replaced by T.
Protein change: p.Leu1309Phe; replaces leucine 1309 with phenylalanine.
Molecular consequence: missense variant.
Genome position (GRCh38, 1-based): chrX:32,438,387, G>A on the plus strand (C>T on the coding strand, the complement: DMD is on the minus strand). VCF-style: chrX-32438387-G-A. GRCh37 (hg19) VCF-style: chrX-32456504-G-A.
Other names: c.3901C>T, p.Leu1301Phe (NM_000109.4); c.3913C>T, p.Leu1305Phe (NM_004009.3); c.3556C>T, p.Leu1186Phe (NM_004010.3); short protein forms L1309F, L1305F, L1301F, L1186F.
Identifiers: ClinVar variation 409915 (VCV000409915.3), dbSNP rs1060502642, ClinGen allele CA16616682.

ClinVar aggregate classification (germline): Uncertain significance. Review status: criteria provided, single submitter (1 of 4 stars). 2 submissions from 2 submitters: Uncertain significance (1). 1 of the submissions does not count toward it. Last evaluated 2021-08-31.

Conditions:
Becker muscular dystrophy (BMD). Also called: MUSCULAR DYSTROPHY, PSEUDOHYPERTROPHIC PROGRESSIVE, BECKER TYPE; Becker Muscular Dystrophy (BMD). Identifiers: Orphanet 98895, MedGen C0917713, MONDO:0010311, OMIM 300376.
Cardiomyopathy (CMYO). Also called: Cardiomyopathies. Identifiers: Orphanet 167848, MedGen C0878544, MONDO:0004994, HP:0001638. Inheritance: Various modes of inheritance.
Duchenne muscular dystrophy (DMD). Also called: MUSCULAR DYSTROPHY, PSEUDOHYPERTROPHIC PROGRESSIVE, DUCHENNE TYPE; Duchenne Muscular Dystrophy (DMD). Identifiers: Orphanet 98896, MedGen C0013264, MONDO:0010679, OMIM 310200.
Dystrophin deficiency.

Submissions (2):

Labcorp Genetics (formerly Invitae), Labcorp
Classification: Uncertain significance for Duchenne muscular dystrophy. Last evaluated: 2021-08-31. Review status: criteria provided, single submitter. Criteria: Invitae Variant Classification Sherloc (09022015). Collection method: clinical testing. Allele origin: germline.
Comment: This sequence change replaces leucine with phenylalanine at codon 1309 of the DMD protein (p.Leu1309Phe). The leucine residue is highly conserved and there is a small physicochemical difference between leucine and phenylalanine. This variant is not present in population databases (ExAC no frequency). This variant has not been reported in the literature in individuals affected with DMD-related conditions. Algorithms developed to predict the effect of missense changes on protein structure and function are either unavailable or do not agree on the potential impact of this missense change (SIFT: "Deleterious"; PolyPhen-2: "Probably Damaging"; Align-GVGD: "Class C15"). In summary, the available evidence is currently insufficient to determine the role of this variant in disease. Therefore, it has been classified as a Variant of Uncertain Significance.

Natera, Inc.
Classification: Uncertain significance for Becker muscular dystrophy; Cardiomyopathy; Duchenne muscular dystrophy; Dystrophin deficiency. Last evaluated: 2020-01-24. Review status: no assertion criteria provided. Collection method: clinical testing. Allele origin: germline. Not counted in ClinVar's aggregate classification.